The following is an entry in ClinVar:

ClinVar aggregate classification (germline): Benign/Likely benign. Review status: criteria provided, multiple submitters, no conflicts (2 of 4 stars). 5 submissions from 5 submitters: Benign (1); Likely benign (4). Last evaluated 2025-10-09.

Conditions:
Hereditary cancer-predisposing syndrome. Also called: Tumor predisposition; Neoplastic Syndromes, Hereditary; Hereditary Cancer Syndrome; Hereditary neoplastic syndrome. Identifiers: Orphanet 140162, MedGen C0027672, MeSH D009386, MONDO:0015356.
Hereditary breast ovarian cancer syndrome. Also called: Hereditary breast and ovarian cancer syndrome; Hereditary breast and ovarian cancer; Hereditary breast and ovarian cancer syndrome (HBOC); Hereditary breast and/or ovarian cancer syndrome; Breast and ovarian cancer; BRCA1- and BRCA2-Associated Hereditary Breast and Ovarian Cancer. Identifiers: Orphanet 145, MedGen C0677776, MeSH D061325, MONDO:0003582. Disease mechanism: loss of function.

Submissions (5):

Labcorp Genetics (formerly Invitae), Labcorp
Classification: Likely benign for Hereditary breast ovarian cancer syndrome. Last evaluated: 2025-10-09. Review status: criteria provided, single submitter. Criteria: Invitae Variant Classification Sherloc (09022015). Collection method: clinical testing. Allele origin: germline.

GeneDx
Classification: Likely benign. Last evaluated: 2023-01-24. Review status: criteria provided, single submitter. Criteria: GeneDx Variant Classification Process June 2021. Collection method: clinical testing. Allele origin: germline. Affected: yes.
Comment: See Variant Classification Assertion Criteria.

Women's Health and Genetics/Laboratory Corporation of America, LabCorp
Classification: Benign. Last evaluated: 2022-07-04. Review status: criteria provided, single submitter. Criteria: LabCorp Variant Classification Summary - May 2015. Collection method: clinical testing. Allele origin: germline.
Comment: Variant summary: BRCA1 c.135-15_135-12delCTTT alters four non-conserved nucleotides located close to a canonical splice site and therefore could affect mRNA splicing, leading to a significantly altered protein sequence. 4/4 computational tools predict no significant impact on normal splicing. The variant was absent in 246264 control chromosomes. The available data on variant occurrences in the general population are insufficient to allow any conclusion about variant significance. c.135-15_135-12delCTTT has been reported in the literature as a "rare-neutral variant" in individuals affected with Hereditary Breast and Ovarian Cancer (example, Judkins_2005, Vreeswijk_2008, Mohammadi_2009). These report(s) do not provide unequivocal conclusions about association of the variant with Hereditary Breast and Ovarian Cancer. At-least one co-occurrence with another pathogenic variant(s) has been reported at our laboratory (BRCA2 c.7758G>A, p.W2586X), providing supporting evidence for a benign role. At least one publication reports experimental evidence evaluating an impact on splicing and showed no damaging effect of this variant on RNA splicing (Vreeswijk_2008). Four clinical diagnostic laboratories have submitted clinical-significance assessments for this variant to ClinVar after 2014 without evidence for independent evaluation. All laboratories classified the variant as likely benign. Based on the evidence outlined above, the variant was classified as benign.

Sema4
Classification: Likely benign for Hereditary cancer-predisposing syndrome. Last evaluated: 2021-06-23. Review status: criteria provided, single submitter. Criteria: Sema4 Curation Guidelines. Collection method: curation. Allele origin: germline.

Color Diagnostics, LLC DBA Color Health
Classification: Likely benign for Hereditary cancer-predisposing syndrome. Last evaluated: 2018-06-13. Review status: criteria provided, single submitter. Criteria: ACMG Guidelines, 2015. Collection method: clinical testing. Allele origin: germline.

Literature cited by the submitters: PubMed 19629655 (cited by Women's Health and Genetics/Laboratory Corporation of America, LabCorp); PubMed 16267036 (cited by Women's Health and Genetics/Laboratory Corporation of America, LabCorp); PubMed 18693280 (cited by Women's Health and Genetics/Laboratory Corporation of America, LabCorp); PubMed 19370767 (cited by Women's Health and Genetics/Laboratory Corporation of America, LabCorp).

NM_007294.4(BRCA1):c.135-23CTTT[2]

Gene: BRCA1 (BRCA1 DNA repair associated; minus strand). Cytogenetic location: 17q21.31.
Variant type: Microsatellite.
Coding change: c.135-23CTTT[2] on transcript NM_007294.4 (MANE Select); two copies in a row of the 4-base unit CTTT starting at c.135-23; the reference has three copies in a row; one copy, 4 bases deleted.
Molecular consequence: intron variant.
Genome position (GRCh38, 1-based): chr17:43,106,545-43,106,548, AAAG deleted on the plus strand (CTTT on the coding strand, the reverse complement: BRCA1 is on the minus strand); deleting any 4 consecutive bases within chr17:43,106,545-43,106,558 gives the same sequence; the position shown is the placement nearest the transcript's 3' end. VCF-style (leftmost placement, unchanged base first): chr17-43106544-TAAAG-T. GRCh37 (hg19) VCF-style: chr17-41258561-TAAAG-T.
Other names: c.135-23CTTT[2] (NM_001408418.1, NM_001407981.1, NM_001407973.1 and 167 more transcripts); c.-7-23CTTT[2] (NM_001408500.1, NM_001407921.1, NM_001407850.1 and 99 more transcripts); c.-218-11696CTTT[2] (NM_001407966.1, NM_001407967.1); c.-54-23CTTT[2] (NM_001407917.1, NM_001408482.1, NM_001407954.1 and 58 more transcripts); c.135-15_135-12delCTTT (NM_007294.3); c.135-1600CTTT[2] (NM_001407874.1, NM_001408416.1, NM_001408414.1 and 21 more transcripts); c.-169-1600CTTT[2] (NM_001407959.1, NM_001407962.1, NM_001408512.1 and 4 more transcripts); c.81-1600CTTT[2] (NM_001408451.1).
Identifiers: ClinVar variation 240772 (VCV000240772.28), dbSNP rs878854931, ClinGen allele CA10583598.
Genomic context (GRCh38, chr17:43,106,544, plus strand): 5'-GACACTGTGAAGGCCCTTTCTTCTGGTTGAGAAGTTTCAGCATGCAAAATCTATAAATTA[TAAAG>T]AAAGAAAGAACAATTTAATTTACTTCCTTTTGTAGAAAGAATACTCAAAAGGCAAATAGC-3'